The following is an entry in ClinVar:

ClinVar aggregate classification (germline): Uncertain significance. Review status: criteria provided, multiple submitters, no conflicts (2 of 4 stars). 4 submissions from 4 submitters: Uncertain significance (4). Last evaluated 2025-11-21.
ClinVar aggregate classification (oncogenicity): Uncertain significance (1 of 4 stars; one submission).

Conditions:
Hereditary cancer-predisposing syndrome. Also called: Hereditary neoplastic syndrome; Tumor predisposition; Hereditary Cancer Syndrome; Neoplastic Syndromes, Hereditary. Identifiers: Orphanet 140162, MedGen C0027672, MeSH D009386, MONDO:0015356.
EGFR-related lung cancer (EGFR). Identifiers: MedGen CN130014.
Inflammatory skin and bowel disease, neonatal, 2 (NNCIS). Identifiers: Orphanet 294023, MedGen C4015130, MONDO:0014481, OMIM 616069.
Lung cancer. Also called: Malignant tumor of lung; Lung cancer, somatic. Identifiers: MedGen C0242379, MONDO:0008903, OMIM 211980.
Neoplasm. Also called: Neoplasms; Neoplasm (disease); tumor. Identifiers: MedGen C0027651, MeSH D009369, MONDO:0005070, HP:0002664.

Allele frequency attached by ClinVar (database versions not stated): ExAC 0.00002; TOPMed 0.00002; gnomAD exomes 0.00003.
gnomAD v4.1: 23 of 1,614,076 alleles (0.0014%); highest among the groups gnomAD compares: East Asian, 0.0022%; no homozygotes.

Submissions (5):

Labcorp Genetics (formerly Invitae), Labcorp
Classification: Uncertain significance for EGFR-related lung cancer. Last evaluated: 2025-11-21. Review status: criteria provided, single submitter. Criteria: Invitae Variant Classification Sherloc (09022015). Collection method: clinical testing. Allele origin: germline.
Comment: This sequence change replaces proline, which is neutral and non-polar, with leucine, which is neutral and non-polar, at codon 644 of the EGFR protein (p.Pro644Leu). This variant is present in population databases (rs770443325, gnomAD 0.006%). This variant has not been reported in the literature in individuals affected with EGFR-related conditions. ClinVar contains an entry for this variant (Variation ID: 360463). An algorithm developed to predict the effect of missense changes on protein structure and function (PolyPhen-2) suggests that this variant is likely to be disruptive. In summary, the available evidence is currently insufficient to determine the role of this variant in disease. Therefore, it has been classified as a Variant of Uncertain Significance.

Center for Genomic Medicine, Rigshospitalet, Copenhagen University Hospital
Classification: Uncertain significance for Neoplasm. Last evaluated: 2025-03-04. Review status: criteria provided, single submitter. Criteria: ClinGen/CGC/VICC Guidelines for Oncogenicity, 2022. Collection method: clinical testing. Allele origin: somatic. Affected: yes.

Ambry Genetics
Classification: Uncertain significance for Hereditary cancer-predisposing syndrome. Last evaluated: 2025-01-06. Review status: criteria provided, single submitter. Criteria: Ambry Variant Classification Scheme 2023. Collection method: clinical testing. Allele origin: germline.
Comment: The p.P644L variant (also known as c.1931C>T), located in coding exon 17 of the EGFR gene, results from a C to T substitution at nucleotide position 1931. The proline at codon 644 is replaced by leucine, an amino acid with similar properties. This amino acid position is well conserved in available vertebrate species. In addition, the in silico prediction for this alteration is inconclusive. Based on the available evidence, the clinical significance of this variant remains unclear.

Blueprint Genetics
Classification: Uncertain significance. Last evaluated: 2024-10-01. Review status: criteria provided, single submitter. Criteria: ACMG Guidelines, 2015. Collection method: clinical testing. Allele origin: germline.

Fulgent Genetics
Classification: Uncertain significance for Lung cancer; Inflammatory skin and bowel disease, neonatal, 2. Last evaluated: 2024-02-22. Review status: criteria provided, single submitter. Criteria: ACMG Guidelines, 2015. Collection method: clinical testing. Allele origin: germline.

NM_005228.5(EGFR):c.1931C>T (p.Pro644Leu)

Gene: EGFR (epidermal growth factor receptor; plus strand). Cytogenetic location: 7p11.2.
Variant type: single nucleotide variant.
Coding change: c.1931C>T on transcript NM_005228.5 (MANE Select); coding-DNA position 1931, C replaced by T.
Protein change: p.Pro644Leu; replaces proline 644 with leucine.
Molecular consequence: missense variant.
Genome position (GRCh38, 1-based): chr7:55,172,994, C>T. VCF-style: chr7-55172994-C-T. GRCh37 (hg19) VCF-style: chr7-55240687-C-T.
Other names: c.1796C>T, p.Pro599Leu (NM_001346897.2, NM_001346899.2); c.1931C>T, p.Pro644Leu (NM_001346898.2); c.1772C>T, p.Pro591Leu (NM_001346900.2); c.1130C>T, p.Pro377Leu (NM_001346941.2); short protein forms P644L, P599L, P377L, P591L.
Identifiers: ClinVar variation 360463 (VCV000360463.12), dbSNP rs770443325, ClinGen allele CA4265912.